The following is an entry in ClinVar:

ClinVar aggregate classification (germline): Uncertain significance (1 of 4 stars; one submission).
ClinVar aggregate classification (oncogenicity): Uncertain significance (1 of 4 stars; one submission).

Conditions:
Neoplasm. Also called: tumor; Neoplasms; Neoplasm (disease). Identifiers: MedGen C0027651, MeSH D009369, MONDO:0005070, HP:0002664.

gnomAD v4.1: 27 of 1,613,946 alleles (0.0017%); highest among the groups gnomAD compares: African/African-American, 0.008%; no homozygotes.

Submissions (2):

Center for Genomic Medicine, Rigshospitalet, Copenhagen University Hospital
Classification: Uncertain significance for Neoplasm. Last evaluated: 2025-03-04. Review status: criteria provided, single submitter. Criteria: ClinGen/CGC/VICC Guidelines for Oncogenicity, 2022. Collection method: clinical testing. Allele origin: somatic. Affected: yes.

Ambry Genetics
Classification: Uncertain significance. Last evaluated: 2024-10-17. Review status: criteria provided, single submitter. Criteria: Ambry Variant Classification Scheme 2023. Collection method: clinical testing. Allele origin: germline.
Comment: The p.R380H variant (also known as c.1139G>A), located in coding exon 2 of the CDK12 gene, results from a G to A substitution at nucleotide position 1139. The arginine at codon 380 is replaced by histidine, an amino acid with highly similar properties. This amino acid position is conserved. In addition, this alteration is predicted to be tolerated by in silico analysis. Based on the available evidence, the clinical significance of this variant remains unclear.

NM_016507.4(CDK12):c.1139G>A (p.Arg380His)

Gene: CDK12 (cyclin dependent kinase 12; plus strand). Cytogenetic location: 17q12.
Variant type: single nucleotide variant.
Coding change: c.1139G>A on transcript NM_016507.4 (MANE Select); coding-DNA position 1139, G replaced by A.
Protein change: p.Arg380His; replaces arginine 380 with histidine.
Molecular consequence: missense variant.
Genome position (GRCh38, 1-based): chr17:39,470,971, G>A. VCF-style: chr17-39470971-G-A. GRCh37 (hg19) VCF-style: chr17-37627224-G-A.
Other names: c.1139G>A, p.Arg380His (NM_015083.4); c.1139G>A (NM_016507.2); short protein forms R380H.
Identifiers: ClinVar variation 3257848 (VCV003257848.3).